The following is an entry in ClinVar:

NM_000245.4(MET):c.3034T>C (p.Phe1012Leu)

Gene: MET (MET proto-oncogene, receptor tyrosine kinase; plus strand). Cytogenetic location: 7q31.2.
Variant type: single nucleotide variant.
Coding change: c.3034T>C on transcript NM_000245.4 (MANE Select); coding-DNA position 3034, T replaced by C.
Protein change: p.Phe1012Leu; replaces phenylalanine 1012 with leucine.
Molecular consequence: missense variant.
Genome position (GRCh38, 1-based): chr7:116,774,886, T>C. VCF-style: chr7-116774886-T-C. GRCh37 (hg19) VCF-style: chr7-116414940-T-C.
Other names: c.3088T>C, p.Phe1030Leu (NM_001127500.3); c.1744T>C, p.Phe582Leu (NM_001324402.2); c.3088T>C (LRG_662t1); short protein forms F1012L, F1030L, F582L.
Identifiers: ClinVar variation 650267 (VCV000650267.13), dbSNP rs376243090, ClinGen allele CA164906869.
Genomic context (GRCh38, chr7:116,774,886, plus strand): 5'-CCCCATTAAATGAGGTTTTACTGTTGTTCTTTAATAATTTTCCTTCATCTTACAGATCAG[T>C]TTCCTAATTCATCTCAGAACGGTTCATGCCGACAAGTGCAGTATCCTCTGACAGACATGT-3'
Protein context (NP_000236.2, residues 1002-1022): DYRATFPEDQ[Phe1012Leu]PNSSQNGSCR

ClinVar aggregate classification (germline): Uncertain significance. Review status: criteria provided, multiple submitters, no conflicts (2 of 4 stars). 2 submissions from 2 submitters: Uncertain significance (2). Last evaluated 2025-12-16.

Conditions:
Hereditary cancer-predisposing syndrome. Also called: Neoplastic Syndromes, Hereditary; Hereditary neoplastic syndrome; Tumor predisposition; Hereditary Cancer Syndrome. Identifiers: Orphanet 140162, MedGen C0027672, MeSH D009386, MONDO:0015356.
Renal cell carcinoma. Identifiers: Orphanet 217071, MedGen C0007134, MeSH D002292, MONDO:0005086, HP:0005584.

Allele frequency attached by ClinVar (database versions not stated): gnomAD 0.00002; TOPMed 0.00003; ESP Exome Variant Server 0.00008.
gnomAD v4.1: 3 of 1,613,768 alleles (0.00019%); highest among the groups gnomAD compares: African/African-American, 0.004%; no homozygotes.

Submissions (2):

Ambry Genetics
Classification: Uncertain significance for Hereditary cancer-predisposing syndrome. Last evaluated: 2025-12-16. Review status: criteria provided, single submitter. Criteria: Ambry Variant Classification Scheme 2023. Collection method: clinical testing. Allele origin: germline.
Comment: The p.F1030L variant (also known as c.3088T>C), located in coding exon 14 of the MET gene, results from a T to C substitution at nucleotide position 3088. The phenylalanine at codon 1030 is replaced by leucine, an amino acid with highly similar properties. This amino acid position is well conserved in available vertebrate species. In addition, the in silico prediction for this alteration is inconclusive. Since supporting evidence is limited at this time, the clinical significance of this alteration remains unclear.

Labcorp Genetics (formerly Invitae), Labcorp
Classification: Uncertain significance for Renal cell carcinoma. Last evaluated: 2025-05-18. Review status: criteria provided, single submitter. Criteria: Invitae Variant Classification Sherloc (09022015). Collection method: clinical testing. Allele origin: germline.
Comment: This sequence change replaces phenylalanine, which is neutral and non-polar, with leucine, which is neutral and non-polar, at codon 1030 of the MET protein (p.Phe1030Leu). This variant is not present in population databases (gnomAD no frequency). This variant has not been reported in the literature in individuals affected with MET-related conditions. ClinVar contains an entry for this variant (Variation ID: 650267). An algorithm developed to predict the effect of missense changes on protein structure and function (PolyPhen-2) suggests that this variant is likely to be tolerated. In summary, the available evidence is currently insufficient to determine the role of this variant in disease. Therefore, it has been classified as a Variant of Uncertain Significance.